The following is an entry in ClinVar:

NM_145239.3(PRRT2):c.623C>A (p.Ser208Tyr)

Genes: MVP-DT (MVP divergent transcript; minus strand), PRRT2 (proline rich transmembrane protein 2; plus strand). Cytogenetic location: 16p11.2.
Variant type: single nucleotide variant.
Coding change: c.623C>A on transcript NM_145239.3 (MANE Select); coding-DNA position 623, C replaced by A.
Protein change: p.Ser208Tyr; replaces serine 208 with tyrosine.
Molecular consequence: missense variant.
Genome position (GRCh38, 1-based): chr16:29,813,677, C>A. VCF-style: chr16-29813677-C-A. GRCh37 (hg19) VCF-style: chr16-29824998-C-A.
Other names: c.623C>A, p.Ser208Tyr (NM_001256442.2, NM_001256443.2); short protein forms S208Y.
Identifiers: ClinVar variation 703480 (VCV000703480.18), dbSNP rs201409113, ClinGen allele CA7994557.

ClinVar aggregate classification (germline): Conflicting classifications of pathogenicity. Review status: criteria provided, conflicting classifications (1 of 4 stars). 3 submissions from 3 submitters: Uncertain significance (1); Likely benign (2). Last evaluated 2025-12-22.

Conditions:
Episodic kinesigenic dyskinesia (EKD). Also called: Paroxysmal kinesigenic dyskinesia. Identifiers: Orphanet 98809, MedGen C1868682, MONDO:0044202.

Allele frequency attached by ClinVar (database versions not stated): TOPMed 0.00004; 1000 Genomes Project 30x 0.00016; 1000 Genomes Project 0.00020.

Submissions (3):

Labcorp Genetics (formerly Invitae), Labcorp
Classification: Likely benign for Episodic kinesigenic dyskinesia. Last evaluated: 2025-12-22. Review status: criteria provided, single submitter. Criteria: Invitae Variant Classification Sherloc (09022015). Collection method: clinical testing. Allele origin: germline.

GeneDx
Classification: Likely benign. Last evaluated: 2020-11-03. Review status: criteria provided, single submitter. Criteria: GeneDx Variant Classification Process June 2021. Collection method: clinical testing. Allele origin: germline. Affected: yes.
Comment: See Variant Classification Assertion Criteria.

Revvity Omics, Revvity
Classification: Uncertain significance. Last evaluated: 2020-03-13. Review status: criteria provided, single submitter. Criteria: ACMG Guidelines, 2015. Collection method: clinical testing. Allele origin: germline.